The following is an entry in ClinVar:

ClinVar aggregate classification (germline): Pathogenic/Likely pathogenic. Review status: criteria provided, multiple submitters, no conflicts (2 of 4 stars). 2 submissions from 2 submitters: Pathogenic (1); Likely pathogenic (1). Last evaluated 2020-03-18.

Conditions:
Cerebral creatine deficiency syndrome. Also called: Creatine deficiency syndromes. Identifiers: Orphanet 79172, MedGen C5244016, MONDO:0000456.
Deficiency of guanidinoacetate methyltransferase (CCDS2). Also called: GAMT DEFICIENCY; CEREBRAL CREATINE DEFICIENCY SYNDROME 2; Guanidinoacetate Methyltransferase (GAMT) Deficiency. Identifiers: Orphanet 382, MedGen C0574080, MONDO:0012999, OMIM 612736.

Submissions (2):

Labcorp Genetics (formerly Invitae), Labcorp
Classification: Pathogenic for Cerebral creatine deficiency syndrome. Last evaluated: 2020-03-18. Review status: criteria provided, single submitter. Criteria: Invitae Variant Classification Sherloc (09022015). Collection method: clinical testing. Allele origin: germline.
Comment: This sequence change creates a premature translational stop signal (p.Tyr49Leufs*36) in the GAMT gene. It is expected to result in an absent or disrupted protein product. This variant is not present in population databases (ExAC no frequency). This variant has not been reported in the literature in individuals with GAMT-related conditions. Loss-of-function variants in GAMT are known to be pathogenic (PMID: 15108290). For these reasons, this variant has been classified as Pathogenic.

Juno Genomics, Hangzhou Juno Genomics, Inc
Classification: Likely pathogenic for Deficiency of guanidinoacetate methyltransferase. Review status: criteria provided, single submitter. Criteria: ACMG Guidelines, 2015. Collection method: clinical testing. Allele origin: germline.
Comment: Null variant in a gene where loss of function (LOF) is a known mechanism of disease.;Absent from controls (or at extremely low frequency if recessive) in Genome Aggregation Database.

Literature cited by the submitters: PubMed 15108290 (cited by Labcorp Genetics (formerly Invitae), Labcorp).

NM_000156.6(GAMT):c.144dup (p.Tyr49fs)

Genes: GAMT (guanidinoacetate N-methyltransferase; minus strand), LOC130062945 (ATAC-STARR-seq lymphoblastoid silent region 9707; plus strand). Cytogenetic location: 19p13.3.
Variant type: Duplication.
Coding change: c.144dup on transcript NM_000156.6 (MANE Select); coding-DNA position 144, one base duplicated (C; older notation c.144dupC).
Protein change: p.Tyr49fs; shifts the reading frame from tyrosine 49.
Molecular consequence: frameshift variant.
Genome position (GRCh38, 1-based): chr19:1,401,333, G duplicated on the plus strand (C on the coding strand, the reverse complement: GAMT is on the minus strand); the first of 5 consecutive G bases (chr19:1,401,333-1,401,337); duplicating any one gives the same sequence. VCF-style (leftmost placement, unchanged base first): chr19-1401332-A-AG. GRCh37 (hg19) VCF-style: chr19-1401331-A-AG.
Other names: c.144dup, p.Tyr49fs (NM_138924.3); short protein forms Y49fs.
Identifiers: ClinVar variation 1070219 (VCV001070219.11), dbSNP rs2082632611, ClinGen allele CA2317700399.